The following is an entry in ClinVar:

ClinVar aggregate classification (germline): Uncertain significance. Review status: criteria provided, multiple submitters, no conflicts (2 of 4 stars). 2 submissions from 2 submitters: Uncertain significance (2). Last evaluated 2024-11-20.

Allele frequency attached by ClinVar (database versions not stated): ExAC 0.00002; 1000 Genomes Project 30x 0.00016; 1000 Genomes Project 0.00020.
gnomAD v4.1: 24 of 1,614,152 alleles (0.0015%); highest among the groups gnomAD compares: Middle Eastern, 0.016%; no homozygotes.

Submissions (2):

Ambry Genetics
Classification: Uncertain significance. Last evaluated: 2024-11-20. Review status: criteria provided, single submitter. Criteria: Ambry Variant Classification Scheme 2023. Collection method: clinical testing. Allele origin: germline.

Labcorp Genetics (formerly Invitae), Labcorp
Classification: Uncertain significance. Last evaluated: 2024-10-15. Review status: criteria provided, single submitter. Criteria: Invitae Variant Classification Sherloc (09022015). Collection method: clinical testing. Allele origin: germline.
Comment: This sequence change replaces arginine, which is basic and polar, with tryptophan, which is neutral and slightly polar, at codon 186 of the TIMP3 protein (p.Arg186Trp). This variant is present in population databases (rs200592407, gnomAD 0.003%). This variant has not been reported in the literature in individuals affected with TIMP3-related conditions. ClinVar contains an entry for this variant (Variation ID: 1513830). An algorithm developed to predict the effect of missense changes on protein structure and function (PolyPhen-2) suggests that this variant is likely to be disruptive. In summary, the available evidence is currently insufficient to determine the role of this variant in disease. Therefore, it has been classified as a Variant of Uncertain Significance.

NM_000362.5(TIMP3):c.556C>T (p.Arg186Trp)

Genes: SYN3 (synapsin III; minus strand), TIMP3 (TIMP metallopeptidase inhibitor 3; plus strand). Cytogenetic location: 22q12.3.
Variant type: single nucleotide variant.
Coding change: c.556C>T on transcript NM_000362.5 (MANE Select); coding-DNA position 556, C replaced by T.
Protein change: p.Arg186Trp; replaces arginine 186 with tryptophan.
Molecular consequence: missense variant. On other transcripts: intron variant (7).
Genome position (GRCh38, 1-based): chr22:32,859,297, C>T. VCF-style: chr22-32859297-C-T. GRCh37 (hg19) VCF-style: chr22-33255284-C-T.
Other names: c.556C>T (NM_000362.4); c.708+5618G>A (NM_001369909.1, NM_001135774.2, NM_001369910.1); c.711+5618G>A (NM_001369907.1, NM_003490.4, NM_001369908.1 and 1 more transcripts); short protein forms R186W.
Identifiers: ClinVar variation 1513830 (VCV001513830.7), dbSNP rs200592407, ClinGen allele CA10202284.
Genomic context (GRCh38, chr22:32,859,297, plus strand): 5'-ACCGACATGCTCTCCAATTTCGGTTACCCTGGCTACCAGTCCAAACACTACGCCTGCATC[C>T]GGCAGAAGGGCGGCTACTGCAGCTGGTACCGAGGATGGGCCCCCCCGGATAAAAGCATCA-3'
Protein context (NP_000353.1, residues 176-196): GYQSKHYACI[Arg186Trp]QKGGYCSWYR